The following is an entry in ClinVar:

ClinVar aggregate classification (germline): Uncertain significance (1 of 4 stars; one submission).

Conditions:
Hereditary cancer-predisposing syndrome. Also called: Neoplastic Syndromes, Hereditary; Tumor predisposition; Hereditary neoplastic syndrome; Hereditary Cancer Syndrome. Identifiers: Orphanet 140162, MedGen C0027672, MeSH D009386, MONDO:0015356.

Allele frequency attached by ClinVar (database versions not stated): gnomAD exomes below 0.00001.

Submission:

Ambry Genetics
Classification: Uncertain significance for Hereditary cancer-predisposing syndrome. Last evaluated: 2024-02-10. Review status: criteria provided, single submitter. Criteria: Ambry Variant Classification Scheme 2023. Collection method: clinical testing. Allele origin: germline.
Comment: The p.H475Q variant (also known as c.1425C>A), located in coding exon 14 of the POLE gene, results from a C to A substitution at nucleotide position 1425. The histidine at codon 475 is replaced by glutamine, an amino acid with highly similar properties. This amino acid position is conserved. In addition, the in silico prediction for this alteration is inconclusive. Based on the available evidence, the clinical significance of this alteration remains unclear.

NM_006231.4(POLE):c.1425C>A (p.His475Gln)

Gene: POLE (DNA polymerase epsilon, catalytic subunit; minus strand). Cytogenetic location: 12q24.33.
Variant type: single nucleotide variant.
Coding change: c.1425C>A on transcript NM_006231.4 (MANE Select); coding-DNA position 1425, C replaced by A.
Protein change: p.His475Gln; replaces histidine 475 with glutamine.
Molecular consequence: missense variant.
Genome position (GRCh38, 1-based): chr12:132,673,212, G>T on the plus strand (C>A on the coding strand, the complement: POLE is on the minus strand). VCF-style: chr12-132673212-G-T. GRCh37 (hg19) VCF-style: chr12-133249798-G-T.
Other names: short protein forms H475Q.
Identifiers: ClinVar variation 3225390 (VCV003225390.1), dbSNP rs896667046, ClinGen allele CA246294104.